The following is an entry in ClinVar:

ClinVar aggregate classification (germline): Uncertain significance (1 of 4 stars; one submission).

Conditions:
EHMT2-related disorder.

Submission:

Clinical Genomics Laboratory, Washington University in St. Louis
Classification: Uncertain significance for EHMT2-related disorder. Last evaluated: 2026-01-20. Review status: criteria provided, single submitter. Criteria: ACMG Guidelines, 2015. Collection method: clinical testing. Allele origin: germline.
Comment: The EHMT2 c.2549A>G (p.His850Arg) variant, to our knowledge, has not been reported in the medical literature. This variant is absent from the general population (gnomAD v.2.1.1), indicating it is not a common variant. Computational predictors are uncertain as to the impact of this variant on EHMT2 function. Due to limited information, the clinical significance of this variant is uncertain.

Literature cited by the submitters: PubMed 39674972.

NM_006709.5(EHMT2):c.2549A>G (p.His850Arg)

Gene: EHMT2 (euchromatic histone lysine methyltransferase 2; minus strand). Cytogenetic location: 6p21.33.
Variant type: single nucleotide variant.
Coding change: c.2549A>G on transcript NM_006709.5 (MANE Select); coding-DNA position 2549, A replaced by G.
Protein change: p.His850Arg; replaces histidine 850 with arginine.
Molecular consequence: missense variant.
Genome position (GRCh38, 1-based): chr6:31,884,699, T>C on the plus strand (A>G on the coding strand, the complement: EHMT2 is on the minus strand). VCF-style: chr6-31884699-T-C. GRCh37 (hg19) VCF-style: chr6-31852476-T-C.
Other names: c.2618A>G, p.His873Arg (NM_001289413.2); c.1943A>G, p.His648Arg (NM_001318833.2); c.2720A>G, p.His907Arg (NM_001363689.2); c.2570A>G, p.His857Arg (NM_001395160.1); c.2486A>G, p.His829Arg (NM_001395161.1); c.2549A>G, p.His850Arg (NM_001395162.1); c.2468A>G, p.His823Arg (NM_001395163.1); c.2444A>G, p.His815Arg (NM_001395164.1); and 2 more; short protein forms H648R, H764R, H815R, H816R, H823R, H829R, H850R, H857R.
Identifiers: ClinVar variation 4879222 (VCV004879222.1).
Genomic context (GRCh38, chr6:31,884,699, plus strand): 5'-GCTCACAGCACGCAGTCATGGTAGCTCTCCCGAGCTGCGATGTGCAGGGGGGTGTCCCCA[T>C]GGTAGTTGACAGCATGGAGGTCACAGCGCGCATTCAGAAGGACTTCGGCGATGGCGGCGC-3'
Protein context (NP_006700.3, residues 840-860): ARCDLHAVNY[His850Arg]GDTPLHIAAR